The following is an entry in ClinVar:

NM_006030.4(CACNA2D2):c.1249C>G (p.Pro417Ala)

Gene: CACNA2D2 (calcium voltage-gated channel auxiliary subunit alpha2delta 2; minus strand). Cytogenetic location: 3p21.31.
Variant type: single nucleotide variant.
Coding change: c.1249C>G on transcript NM_006030.4 (MANE Select); coding-DNA position 1249, C replaced by G.
Protein change: p.Pro417Ala; replaces proline 417 with alanine.
Molecular consequence: missense variant.
Genome position (GRCh38, 1-based): chr3:50,379,103, G>C on the plus strand (C>G on the coding strand, the complement: CACNA2D2 is on the minus strand). VCF-style: chr3-50379103-G-C. GRCh37 (hg19) VCF-style: chr3-50416534-G-C.
Other names: c.1249C>G, p.Pro417Ala (NM_001005505.3, NM_001174051.3); c.1042C>G, p.Pro348Ala (NM_001291101.1); short protein forms P348A, P417A.
Identifiers: ClinVar variation 940660 (VCV000940660.7), dbSNP rs1575602286, ClinGen allele CA352932024.

ClinVar aggregate classification (germline): Uncertain significance (1 of 4 stars; one submission).

Conditions:
Early-infantile DEE. Also called: Early infantile epileptic encephalopathy; Ohtahara syndrome; Early infantile epileptic encephalopathy with suppression bursts. Identifiers: Orphanet 1934, MedGen C0393706, MONDO:0800491.

Allele frequency attached by ClinVar (database versions not stated): gnomAD exomes below 0.00001.
gnomAD v4.1: 2 of 1,613,716 alleles (0.00012%); highest among the groups gnomAD compares: African/African-American, 0.0013%; no homozygotes.

Submission:

Labcorp Genetics (formerly Invitae), Labcorp
Classification: Uncertain significance for Early-infantile DEE. Last evaluated: 2019-06-27. Review status: criteria provided, single submitter. Criteria: Invitae Variant Classification Sherloc (09022015). Collection method: clinical testing. Allele origin: germline.
Comment: Algorithms developed to predict the effect of missense changes on protein structure and function are either unavailable or do not agree on the potential impact of this missense change (SIFT: "Deleterious"; PolyPhen-2: "Probably Damaging"; Align-GVGD: "Class C0"). In summary, the available evidence is currently insufficient to determine the role of this variant in disease. Therefore, it has been classified as a Variant of Uncertain Significance. This variant has not been reported in the literature in individuals with CACNA2D2-related conditions. This variant is not present in population databases (ExAC no frequency). This sequence change replaces proline with alanine at codon 417 of the CACNA2D2 protein (p.Pro417Ala). The proline residue is highly conserved and there is a small physicochemical difference between proline and alanine.